The following is an entry in ClinVar:

NM_000428.3(LTBP2):c.4075G>A (p.Ala1359Thr)

Gene: LTBP2 (latent transforming growth factor beta binding protein 2; minus strand). Cytogenetic location: 14q24.3.
Variant type: single nucleotide variant.
Coding change: c.4075G>A on transcript NM_000428.3 (MANE Select); coding-DNA position 4075, G replaced by A.
Protein change: p.Ala1359Thr; replaces alanine 1359 with threonine.
Molecular consequence: missense variant.
Genome position (GRCh38, 1-based): chr14:74,506,150, C>T on the plus strand (G>A on the coding strand, the complement: LTBP2 is on the minus strand). VCF-style: chr14-74506150-C-T. GRCh37 (hg19) VCF-style: chr14-74972853-C-T.
Other names: short protein forms A1359T.
Identifiers: ClinVar variation 886562 (VCV000886562.10), dbSNP rs368195399, ClinGen allele CA7268876.

ClinVar aggregate classification (germline): Uncertain significance. Review status: criteria provided, multiple submitters, no conflicts (2 of 4 stars). 4 submissions from 3 submitters: Uncertain significance (4). Last evaluated 2025-11-01.

Conditions:
Glaucoma 3, primary congenital, D. Identifiers: Orphanet 98976, MedGen C2751316, MONDO:0013122, OMIM 613086.
Weill-Marchesani syndrome. Also called: WM Syndrome; Mesodermal dysmorphodystrophy congenital. Identifiers: Orphanet 3449, MedGen C0265313, MONDO:0018096.

Allele frequency attached by ClinVar (database versions not stated): ExAC 0.00002; gnomAD exomes 0.00002 and 0.00004; TOPMed 0.00007; ESP Exome Variant Server 0.00008; gnomAD 0.00008 and 0.00009.
gnomAD v4.1: 49 of 1,614,120 alleles (0.003%); highest among the groups gnomAD compares: Admixed American, 0.012%; no homozygotes.

Submissions (4):

Labcorp Genetics (formerly Invitae), Labcorp
Classification: Uncertain significance. Last evaluated: 2025-11-01. Review status: criteria provided, single submitter. Criteria: Invitae Variant Classification Sherloc (09022015). Collection method: clinical testing. Allele origin: germline.
Comment: This sequence change replaces alanine, which is neutral and non-polar, with threonine, which is neutral and polar, at codon 1359 of the LTBP2 protein (p.Ala1359Thr). This variant is present in population databases (rs368195399, gnomAD 0.009%). This variant has not been reported in the literature in individuals affected with LTBP2-related conditions. ClinVar contains an entry for this variant (Variation ID: 886562). An algorithm developed to predict the effect of missense changes on protein structure and function (PolyPhen-2) suggests that this variant is likely to be disruptive. In summary, the available evidence is currently insufficient to determine the role of this variant in disease. Therefore, it has been classified as a Variant of Uncertain Significance.

GeneDx
Classification: Uncertain significance. Last evaluated: 2023-11-18. Review status: criteria provided, single submitter. Criteria: GeneDx Variant Classification Process June 2021. Collection method: clinical testing. Allele origin: germline. Affected: yes.
Comment: In silico analysis supports that this missense variant has a deleterious effect on protein structure/function; Has not been previously published as pathogenic or benign to our knowledge

Illumina Laboratory Services, Illumina
Classification: Uncertain significance for Weill-Marchesani syndrome. Last evaluated: 2018-01-13. Review status: criteria provided, single submitter. Criteria: ICSL Variant Classification Criteria 13 December 2019. Collection method: clinical testing. Allele origin: germline.

Illumina Laboratory Services, Illumina
Classification: Uncertain significance for Glaucoma 3, primary congenital, D. Last evaluated: 2018-01-13. Review status: criteria provided, single submitter. Criteria: ICSL Variant Classification Criteria 13 December 2019. Collection method: clinical testing. Allele origin: germline.